The following is an entry in ClinVar:

NM_174889.5(NDUFAF2):c.422A>T (p.Glu141Val)

Gene: NDUFAF2 (NADH:ubiquinone oxidoreductase complex assembly factor 2; plus strand). Cytogenetic location: 5q12.1.
Variant type: single nucleotide variant.
Coding change: c.422A>T on transcript NM_174889.5 (MANE Select); coding-DNA position 422, A replaced by T.
Protein change: p.Glu141Val; replaces glutamic acid 141 with valine.
Molecular consequence: missense variant.
Genome position (GRCh38, 1-based): chr5:61,152,867, A>T. VCF-style: chr5-61152867-A-T. GRCh37 (hg19) VCF-style: chr5-60448694-A-T.
Other names: short protein forms E141V.
Identifiers: ClinVar variation 354037 (VCV000354037.8), dbSNP rs749677218, ClinGen allele CA3278196.

ClinVar aggregate classification (germline): Conflicting classifications of pathogenicity. Review status: criteria provided, conflicting classifications (1 of 4 stars). 4 submissions from 3 submitters: Uncertain significance (3); Likely benign (1). Last evaluated 2025-10-22.

Conditions:
Inborn genetic diseases. Identifiers: MedGen C0950123, MeSH D030342.
Mitochondrial complex I deficiency, nuclear type 1. Also called: NADH-COENZYME Q REDUCTASE DEFICIENCY; MITOCHONDRIAL NADH DEHYDROGENASE COMPONENT OF COMPLEX I, DEFICIENCY OF. Identifiers: MedGen C6022305, MONDO:0100224, OMIM 252010.
Leigh syndrome (NULS). Also called: Leigh's syndrome; Leigh Syndrome (mtDNA deletion); Leigh Disease; Leigh's necrotizing encephalopathy; Leigh's disease; Subacute necrotizing encephalopathy. Identifiers: Orphanet 506, MedGen C2931891, MONDO:0009723, OMIM 256000.

Allele frequency attached by ClinVar (database versions not stated): gnomAD exomes 0.00003 and 0.00009; ExAC 0.00006; TOPMed 0.00008; gnomAD 0.00009 and 0.00011.
gnomAD v4.1: 70 of 1,610,652 alleles (0.0043%); highest among the groups gnomAD compares: Admixed American, 0.033%; no homozygotes.

Submissions (4):

Ambry Genetics
Classification: Likely benign for Inborn genetic diseases. Last evaluated: 2025-10-22. Review status: criteria provided, single submitter. Criteria: Ambry Variant Classification Scheme 2023. Collection method: clinical testing. Allele origin: germline.

Labcorp Genetics (formerly Invitae), Labcorp
Classification: Uncertain significance. Last evaluated: 2022-08-16. Review status: criteria provided, single submitter. Criteria: Invitae Variant Classification Sherloc (09022015). Collection method: clinical testing. Allele origin: germline.
Comment: This sequence change replaces glutamic acid, which is acidic and polar, with valine, which is neutral and non-polar, at codon 141 of the NDUFAF2 protein (p.Glu141Val). This variant is present in population databases (rs749677218, gnomAD 0.07%). This variant has not been reported in the literature in individuals affected with NDUFAF2-related conditions. ClinVar contains an entry for this variant (Variation ID: 354037). Algorithms developed to predict the effect of missense changes on protein structure and function are either unavailable or do not agree on the potential impact of this missense change (SIFT: "Deleterious"; PolyPhen-2: "Benign"; Align-GVGD: "Class C15"). Algorithms developed to predict the effect of sequence changes on RNA splicing suggest that this variant may create or strengthen a splice site. In summary, the available evidence is currently insufficient to determine the role of this variant in disease. Therefore, it has been classified as a Variant of Uncertain Significance.

Illumina Laboratory Services, Illumina
Classification: Uncertain significance for Leigh syndrome. Last evaluated: 2018-01-13. Review status: criteria provided, single submitter. Criteria: ICSL Variant Classification Criteria 13 December 2019. Collection method: clinical testing. Allele origin: germline.

Illumina Laboratory Services, Illumina
Classification: Uncertain significance for Mitochondrial complex I deficiency, nuclear type 1. Last evaluated: 2018-01-13. Review status: criteria provided, single submitter. Criteria: ICSL Variant Classification Criteria 13 December 2019. Collection method: clinical testing. Allele origin: germline.